The following is an entry in ClinVar:

ClinVar aggregate classification (germline): Conflicting classifications of pathogenicity. Review status: criteria provided, conflicting classifications (1 of 4 stars). 3 submissions from 3 submitters: Uncertain significance (2); Benign (1). Last evaluated 2025-08-27.

Conditions:
Intellectual developmental disorder, X-linked, syndromic, Turner type. Also called: X-linked intellectual disability, Turner type; Intellectual disability, X-linked syndromic, Turner type. Identifiers: Orphanet 3056, Orphanet 85328, MedGen C2678046, MONDO:0010407, OMIM 309590.

Allele frequency attached by ClinVar (database versions not stated): ExAC 0.00002; gnomAD 0.00003; gnomAD exomes 0.00002; TOPMed 0.00003.
gnomAD v4.1: 23 of 1,202,824 alleles (0.0019%); highest among the groups gnomAD compares: South Asian, 0.0035%; no homozygotes.

Submissions (3):

Labcorp Genetics (formerly Invitae), Labcorp
Classification: Benign. Last evaluated: 2025-08-27. Review status: criteria provided, single submitter. Criteria: Invitae Variant Classification Sherloc (09022015). Collection method: clinical testing. Allele origin: germline.

Daryl Scott Lab, Baylor College of Medicine
Classification: Uncertain significance for Intellectual developmental disorder, X-linked, syndromic, Turner type. Last evaluated: 2024-01-01. Review status: criteria provided, single submitter. Criteria: ACMG Guidelines, 2015. Collection method: clinical testing. Allele origin: maternal. Observed: 1 hemizygote.
Comment: PP3

GeneDx
Classification: Uncertain significance. Last evaluated: 2022-11-16. Review status: criteria provided, single submitter. Criteria: GeneDx Variant Classification Process June 2021. Collection method: clinical testing. Allele origin: germline. Affected: yes.
Comment: In silico analysis supports that this missense variant has a deleterious effect on protein structure/function; Has not been previously published as pathogenic or benign to our knowledge

NM_031407.7(HUWE1):c.178C>T (p.Arg60Cys)

Gene: HUWE1 (HECT, UBA and WWE domain containing E3 ubiquitin protein ligase 1; minus strand). Cytogenetic location: Xp11.22.
Variant type: single nucleotide variant.
Coding change: c.178C>T on transcript NM_031407.7 (MANE Select); coding-DNA position 178, C replaced by T.
Protein change: p.Arg60Cys; replaces arginine 60 with cysteine.
Molecular consequence: missense variant.
Genome position (GRCh38, 1-based): chrX:53,647,541, G>A on the plus strand (C>T on the coding strand, the complement: HUWE1 is on the minus strand). VCF-style: chrX-53647541-G-A. GRCh37 (hg19) VCF-style: chrX-53674484-G-A.
Other names: short protein forms R60C.
Identifiers: ClinVar variation 1800476 (VCV001800476.4), dbSNP rs782306178, ClinGen allele CA10423141.